The following is an entry in ClinVar:

ClinVar aggregate classification (germline): Likely benign. Review status: criteria provided, multiple submitters, no conflicts (2 of 4 stars). 2 submissions from 2 submitters: Likely benign (2). Last evaluated 2024-09-24.

Allele frequency attached by ClinVar (database versions not stated): gnomAD 0.00003; ExAC 0.00008; 1000 Genomes Project 30x 0.00031; 1000 Genomes Project 0.00040.

Submissions (2):

Blueprint Genetics
Classification: Likely benign. Last evaluated: 2024-09-24. Review status: criteria provided, single submitter. Criteria: ACMG Guidelines, 2015. Collection method: clinical testing. Allele origin: germline.

CeGaT Center for Human Genetics Tuebingen
Classification: Likely benign. Last evaluated: 2023-07-01. Review status: criteria provided, single submitter. Criteria: CeGaT Center For Human Genetics Tuebingen Variant Classification Criteria Version 2. Collection method: clinical testing. Allele origin: germline. Affected: yes. Observed: 1 variant allele.
Comment: EPS8L2: BP4, BP7

NM_022772.4(EPS8L2):c.1533A>G (p.Leu511=)

Gene: EPS8L2 (EPS8 signaling adaptor L2; plus strand). Cytogenetic location: 11p15.5.
Variant type: single nucleotide variant.
Coding change: c.1533A>G on transcript NM_022772.4 (MANE Select); coding-DNA position 1533, A replaced by G.
Protein change: p.Leu511=; no amino-acid change (leucine 511 retained).
Molecular consequence: synonymous variant.
Genome position (GRCh38, 1-based): chr11:724,802, A>G. VCF-style: chr11-724802-A-G. GRCh37 (hg19) VCF-style: chr11-724802-A-G.
Identifiers: ClinVar variation 2578624 (VCV002578624.26), dbSNP rs183592107, ClinGen allele CA5787678.